The following is an entry in ClinVar:

NM_006939.4(SOS2):c.3813G>A (p.Pro1271=)

Gene: SOS2 (SOS Ras/Rho guanine nucleotide exchange factor 2; minus strand). Cytogenetic location: 14q21.3.
Variant type: single nucleotide variant.
Coding change: c.3813G>A on transcript NM_006939.4 (MANE Select); coding-DNA position 3813, G replaced by A.
Protein change: p.Pro1271=; no amino-acid change (proline 1271 retained).
Molecular consequence: synonymous variant.
Genome position (GRCh38, 1-based): chr14:50,118,530, C>T on the plus strand (G>A on the coding strand, the complement: SOS2 is on the minus strand). VCF-style: chr14-50118530-C-T. GRCh37 (hg19) VCF-style: chr14-50585248-C-T.
Other names: p.Pro1271=.
Identifiers: ClinVar variation 384711 (VCV000384711.25), dbSNP rs2227276, ClinGen allele CA7176700.

ClinVar aggregate classification (germline): Benign. Review status: criteria provided, multiple submitters, no conflicts (2 of 4 stars). 11 submissions from 11 submitters: Benign (9). 2 of the submissions do not count toward it. Last evaluated 2026-02-04.

Conditions:
Cardiovascular phenotype. Identifiers: MedGen CN230736.
Noonan syndrome 9 (NS9). Identifiers: Orphanet 648, MedGen C4225282, MONDO:0014691, OMIM 616559.

Allele frequency attached by ClinVar (database versions not stated): ESP Exome Variant Server 0.17207; TOPMed 0.19523; 1000 Genomes Project 30x 0.24188; 1000 Genomes Project 0.24321.
gnomAD v4.1: 287,687 of 1,613,632 alleles (18%); highest among the groups gnomAD compares: East Asian, 45%; 28,059 homozygotes.

Submissions (11):

Labcorp Genetics (formerly Invitae), Labcorp
Classification: Benign for Noonan syndrome 9. Last evaluated: 2026-02-04. Review status: criteria provided, single submitter. Criteria: Invitae Variant Classification Sherloc (09022015). Collection method: clinical testing. Allele origin: germline.

Blueprint Genetics
Classification: Benign. Last evaluated: 2024-11-27. Review status: criteria provided, single submitter. Criteria: ACMG Guidelines, 2015. Collection method: clinical testing. Allele origin: germline.

Mayo Clinic Laboratories, Mayo Clinic
Classification: Benign. Last evaluated: 2022-04-26. Review status: criteria provided, single submitter. Criteria: ACMG Guidelines, 2015. Collection method: clinical testing. Allele origin: germline. Observed: 342 variant alleles.

Ambry Genetics
Classification: Benign for Cardiovascular phenotype. Last evaluated: 2019-01-21. Review status: criteria provided, single submitter. Criteria: Ambry Variant Classification Scheme 2023. Collection method: clinical testing. Allele origin: germline.

Laboratory for Molecular Medicine, Mass General Brigham Personalized Medicine
Classification: Benign. Last evaluated: 2018-12-27. Review status: criteria provided, single submitter. Criteria: LMM Criteria. Collection method: clinical testing. Allele origin: germline. Observed: 4 variant alleles.
Comment: p.Pro1271Pro in exon 23 of SOS2: This variant is not expected to have clinical significance because it does not alter an amino acid residue, is not located within the splice consensus sequence, and has been identified in 44.43% (3835/8632) of East Asian chromosomes by the Exome Aggregation Consortium (ExAC; dbSNP rs2227276).

Women's Health and Genetics/Laboratory Corporation of America, LabCorp
Classification: Benign. Last evaluated: 2017-04-11. Review status: criteria provided, single submitter. Criteria: LabCorp Variant Classification Summary - May 2015. Collection method: clinical testing. Allele origin: germline.
Comment: Variant summary: The SOS2 c.3813G>A (p.Pro1271Pro) variant involves the alteration of a non-conserved nucleotide, resulting in a synonymous change. 5/5 splice prediction tools predict no significant impact on normal splicing. ESE finder predicts that this variant may introduce an SF2/ASF ESE site at the locus. However, these predictions have yet to be confirmed by functional studies. This variant was found in the large control database ExAC at a frequency of 0.1980044 (24031/121366 control chromosomes [2718 homozygotes]), which is approximately 79202 times the estimated maximal expected allele frequency of a pathogenic SOS2 variant (0.0000025), strong evidence that this variant is likely a benign polymorphism. In addition, multiple clinical diagnostic laboratories/reputable databases classified this variant as benign. The variant of interest has not, to our knowledge, been reported in affected individuals via publications, nor has it been evaluated for functional impact by in vivo/vitro studies. Taken together, this variant is classified as benign.

GeneDx
Classification: Benign. Last evaluated: 2016-09-28. Review status: criteria provided, single submitter. Criteria: GeneDx Variant Classification (06012015). Collection method: clinical testing. Allele origin: germline. Affected: yes.
Comment: This variant is considered likely benign or benign based on one or more of the following criteria: it is a conservative change, it occurs at a poorly conserved position in the protein, it is predicted to be benign by multiple in silico algorithms, and/or has population frequency not consistent with disease.

Breakthrough Genomics
Classification: Benign. Review status: criteria provided, single submitter. Criteria: ACMG Guidelines, 2015. Collection method: not provided. Allele origin: germline. Inheritance: Autosomal dominant inheritance. Affected: yes.

Genome-Nilou Lab
Classification: Benign for Noonan syndrome 9. Review status: criteria provided, single submitter. Criteria: ACMG Guidelines, 2015. Collection method: clinical testing. Allele origin: germline.

Clinical Genetics, Academic Medical Center
Classification: Benign. Review status: no assertion criteria provided. Collection method: clinical testing. Allele origin: germline. Affected: yes. Study: VKGL Data-share Consensus. Not counted in ClinVar's aggregate classification.

Joint Genome Diagnostic Labs from Nijmegen and Maastricht, Radboudumc and MUMC+
Classification: Benign. Review status: no assertion criteria provided. Collection method: clinical testing. Allele origin: germline. Affected: yes. Study: VKGL Data-share Consensus. Not counted in ClinVar's aggregate classification.